The following is an entry in ClinVar:

NM_006445.4(PRPF8):c.6588T>C (p.His2196=)

Gene: PRPF8 (pre-mRNA processing factor 8; minus strand). Cytogenetic location: 17p13.3.
Variant type: single nucleotide variant.
Coding change: c.6588T>C on transcript NM_006445.4 (MANE Select); coding-DNA position 6588, T replaced by C.
Protein change: p.His2196=; no amino-acid change (histidine 2196 retained).
Molecular consequence: synonymous variant.
Genome position (GRCh38, 1-based): chr17:1,651,476, A>G on the plus strand (T>C on the coding strand, the complement: PRPF8 is on the minus strand). VCF-style: chr17-1651476-A-G. GRCh37 (hg19) VCF-style: chr17-1554770-A-G.
Identifiers: ClinVar variation 321874 (VCV000321874.15), dbSNP rs1802491, ClinGen allele CA8271148.
Genomic context (GRCh38, chr17:1,651,476, plus strand): 5'-GCATGTGATGATAATGGTCTTCTCGCCATCCCAAGATGGGTTGTCAGCCATGATCTTGGC[A>G]TGGGTGGTGACATCCTGGGGTGATAACTGCGGGGACTCATTGGGCTGAGTGTGGATCCAA-3'
Protein context (NP_006436.3, residues 2186-2206): PQLSPQDVTT[His2196=]AKIMADNPSW

ClinVar aggregate classification (germline): Benign. Review status: criteria provided, multiple submitters, no conflicts (2 of 4 stars). 5 submissions from 5 submitters: Benign (5). Last evaluated 2026-02-03.

Conditions:
Retinitis pigmentosa (RP). Identifiers: Orphanet 791, MedGen C0035334, MeSH D012174, MONDO:0019200, OMIM 268000. Inheritance: Autosomal dominant, autosomal recessive and X linked inheritance.
Retinal dystrophy. Also called: Inherited retinal dystrophy. Identifiers: Orphanet 71862, MedGen C0854723, MeSH D058499, MONDO:0019118, HP:0000556.

Allele frequency attached by ClinVar (database versions not stated): gnomAD exomes 0.07437 and 0.10242; ExAC 0.11292; gnomAD 0.20397 and 0.21248; TOPMed 0.21741; ESP Exome Variant Server 0.22144; 1000 Genomes Project 0.22963; 1000 Genomes Project 30x 0.23782.
gnomAD v4.1: 141,203 of 1,614,012 alleles (8.7%); highest among the groups gnomAD compares: African/African-American, 56%; 15,583 homozygotes.

Submissions (5):

Labcorp Genetics (formerly Invitae), Labcorp
Classification: Benign. Last evaluated: 2026-02-03. Review status: criteria provided, single submitter. Criteria: Invitae Variant Classification Sherloc (09022015). Collection method: clinical testing. Allele origin: germline.

Dept Of Ophthalmology, Nagoya University
Classification: Benign for Retinal dystrophy. Last evaluated: 2023-10-01. Review status: criteria provided, single submitter. Criteria: Submitter's publication. Collection method: research. Allele origin: germline. Affected: yes.

GeneDx
Classification: Benign. Last evaluated: 2021-10-14. Review status: criteria provided, single submitter. Criteria: GeneDx Variant Classification Process June 2021. Collection method: clinical testing. Allele origin: germline. Affected: yes.

Illumina Laboratory Services, Illumina
Classification: Benign for Retinitis pigmentosa. Last evaluated: 2018-01-13. Review status: criteria provided, single submitter. Criteria: ICSL Variant Classification Criteria 13 December 2019. Collection method: clinical testing. Allele origin: germline.
Comment: This variant was observed in the ICSL laboratory as part of a predisposition screen in an ostensibly healthy population. It had not been previously curated by ICSL or reported in the Human Gene Mutation Database (HGMD: prior to June 1st, 2018), and was therefore a candidate for classification through an automated scoring system. Utilizing variant allele frequency, disease prevalence and penetrance estimates, and inheritance mode, an automated score was calculated to assess if this variant is too frequent to cause the disease. Based on the score and internal cut-off values, a variant classified as benign is not then subjected to further curation. The score for this variant resulted in a classification of benign for this disease.

Breakthrough Genomics
Classification: Benign. Review status: criteria provided, single submitter. Criteria: ACMG Guidelines, 2015. Collection method: not provided. Allele origin: germline. Inheritance: Autosomal dominant inheritance. Affected: yes.